The following is an entry in ClinVar:

NM_138694.4(PKHD1):c.1836+1G>T

Gene: PKHD1 (PKHD1 ciliary IPT domain containing fibrocystin/polyductin; minus strand). Cytogenetic location: 6p12.2.
Variant type: single nucleotide variant.
Coding change: c.1836+1G>T on transcript NM_138694.4 (MANE Select); the canonical splice donor site of the intron after coding-DNA position 1836, G replaced by T.
Molecular consequence: splice donor variant.
Genome position (GRCh38, 1-based): chr6:52,055,586, C>A on the plus strand (G>T on the coding strand, the complement: PKHD1 is on the minus strand). VCF-style: chr6-52055586-C-A. GRCh37 (hg19) VCF-style: chr6-51920384-C-A.
Other names: c.1836+1G>T (NM_138694.3, NM_170724.3).
Identifiers: ClinVar variation 3593998 (VCV003593998.3).

ClinVar aggregate classification (germline): Pathogenic/Likely pathogenic. Review status: criteria provided, multiple submitters, no conflicts (2 of 4 stars). 2 submissions from 2 submitters: Pathogenic (1); Likely pathogenic (1). Last evaluated 2025-04-02.

Conditions:
Polycystic kidney disease 4 (PKD4). Also called: Autosomal Recessive Polycystic Kidney Disease – PKHD1; PKD3; POLYCYSTIC KIDNEY AND HEPATIC DISEASE 1; POLYCYSTIC KIDNEY DISEASE, INFANTILE, TYPE I; POLYCYSTIC KIDNEY DISEASE 4 WITH OR WITHOUT POLYCYSTIC LIVER DISEASE. Identifiers: MedGen C4540575, MONDO:0033004, OMIM 263200.
Autosomal recessive polycystic kidney disease (ARPKD). Also called: AR polycystic kidney disease. Identifiers: Orphanet 731, Orphanet 8378, MedGen C0085548, MeSH D017044, MONDO:0009889.

gnomAD v4.1: 1 of 1,613,958 alleles (0.000062%); highest among the groups gnomAD compares: Non-Finnish European, 0.000085%; no homozygotes.

Submissions (2):

Natera, Inc.
Classification: Pathogenic for Autosomal recessive polycystic kidney disease. Last evaluated: 2025-04-02. Review status: criteria provided, single submitter. Criteria: Natera Variant Classification Schema (03/2026). Collection method: clinical testing. Allele origin: germline.
Comment: The c.1836+1G>T variant in PKHD1 is a canonical splice donor site variant predicted to affect pre-mRNA splicing, which may result in an abnormal transcript and altered protein product. This variant is expected to result in nonsense mediated decay, truncation, or a dysfunctional protein product. This variant is rare in the general population with a frequency below the threshold expected for the associated phenotype(s). Another variant at this same site results in an alteration predicted to cause a similar molecular effect has been observed in individual(s) with the associated phenotype. Given the available evidence, this variant is classified as Pathogenic.

Fulgent Genetics
Classification: Likely pathogenic for Polycystic kidney disease 4. Last evaluated: 2024-03-26. Review status: criteria provided, single submitter. Criteria: ACMG Guidelines, 2015. Collection method: clinical testing. Allele origin: germline.